The following is an entry in ClinVar:

NM_003737.4(DCHS1):c.6673A>G (p.Thr2225Ala)

Gene: DCHS1 (dachsous cadherin-related 1; minus strand). Cytogenetic location: 11p15.4.
Variant type: single nucleotide variant.
Coding change: c.6673A>G on transcript NM_003737.4 (MANE Select); coding-DNA position 6673, A replaced by G.
Protein change: p.Thr2225Ala; replaces threonine 2225 with alanine.
Molecular consequence: missense variant.
Genome position (GRCh38, 1-based): chr11:6,625,978, T>C on the plus strand (A>G on the coding strand, the complement: DCHS1 is on the minus strand). VCF-style: chr11-6625978-T-C. GRCh37 (hg19) VCF-style: chr11-6647209-T-C.
Other names: short protein forms T2225A.
Identifiers: ClinVar variation 4701253 (VCV004701253.1).

ClinVar aggregate classification (germline): Uncertain significance (1 of 4 stars; one submission).

gnomAD v4.1: 6 of 1,613,554 alleles (0.00037%); highest among the groups gnomAD compares: African/African-American, 0.0013%; no homozygotes.

Submission:

Labcorp Genetics (formerly Invitae), Labcorp
Classification: Uncertain significance. Last evaluated: 2025-03-12. Review status: criteria provided, single submitter. Criteria: Invitae Variant Classification Sherloc (09022015). Collection method: clinical testing. Allele origin: germline.
Comment: This sequence change replaces threonine, which is neutral and polar, with alanine, which is neutral and non-polar, at codon 2225 of the DCHS1 protein (p.Thr2225Ala). This variant is present in population databases (rs745665964, gnomAD 0.002%). This variant has not been reported in the literature in individuals affected with DCHS1-related conditions. Invitae Evidence Modeling of protein sequence and biophysical properties (such as structural, functional, and spatial information, amino acid conservation, physicochemical variation, residue mobility, and thermodynamic stability) indicates that this missense variant is not expected to disrupt DCHS1 protein function with a negative predictive value of 95%. In summary, the available evidence is currently insufficient to determine the role of this variant in disease. Therefore, it has been classified as a Variant of Uncertain Significance.